The following is an entry in ClinVar:

NM_002693.3(POLG):c.592G>C (p.Asp198His)

Genes: POLG (DNA polymerase gamma, catalytic subunit; minus strand), POLGARF (POLG alternative reading frame; minus strand). Cytogenetic location: 15q26.1.
Variant type: single nucleotide variant.
Coding change: c.592G>C on transcript NM_002693.3 (MANE Select); coding-DNA position 592, G replaced by C.
Protein change: p.Asp198His; replaces aspartic acid 198 with histidine.
Molecular consequence: missense variant.
Genome position (GRCh38, 1-based): chr15:89,333,163, C>G on the plus strand (G>C on the coding strand, the complement: POLG is on the minus strand). VCF-style: chr15-89333163-C-G. GRCh37 (hg19) VCF-style: chr15-89876394-C-G.
Other names: c.647G>C, p.Arg216Pro (NM_001430120.1); c.592G>C, p.Asp198His (NM_001126131.2); short protein forms D198H, R216P.
Identifiers: ClinVar variation 3636651 (VCV003636651.2).
Genomic context (GRCh38, chr15:89,333,163, plus strand): 5'-AGGGGGATATGGCCACCGCCAATGTGGGGCAAGTTCCCTCTGCCAAGCAGACCTCCACGT[C>G]GAACACCAGGGCCCGCTCCTCGGGGATGGCCACGGGTACGGCCTCCCCCTCGGGGCCGTA-3'
Protein context (NP_002684.1, residues 188-208): AIPEERALVF[Asp198His]VEVCLAEGTC

ClinVar aggregate classification (germline): Uncertain significance (1 of 4 stars; one submission).

Conditions:
Progressive sclerosing poliodystrophy (MTDPS4A). Also called: ALPERS PROGRESSIVE INFANTILE POLIODYSTROPHY; NEURONAL DEGENERATION OF CHILDHOOD WITH LIVER DISEASE, PROGRESSIVE; Alpers Syndrome; ALPERS DIFFUSE DEGENERATION OF CEREBRAL GRAY MATTER WITH HEPATIC CIRRHOSIS; Alpers-Huttenlocher Syndrome; Mitochondrial DNA depletion syndrome 4A (Alpers type). Identifiers: Orphanet 726, MedGen C0205710, MONDO:0008758, OMIM 203700.

Submission:

Labcorp Genetics (formerly Invitae), Labcorp
Classification: Uncertain significance for Progressive sclerosing poliodystrophy. Last evaluated: 2024-03-29. Review status: criteria provided, single submitter. Criteria: Invitae Variant Classification Sherloc (09022015). Collection method: clinical testing. Allele origin: germline.
Comment: This sequence change replaces aspartic acid, which is acidic and polar, with histidine, which is basic and polar, at codon 198 of the POLG protein (p.Asp198His). This variant is not present in population databases (gnomAD no frequency). This variant has not been reported in the literature in individuals affected with POLG-related conditions. Advanced modeling of protein sequence and biophysical properties (such as structural, functional, and spatial information, amino acid conservation, physicochemical variation, residue mobility, and thermodynamic stability) performed at Invitae indicates that this missense variant is expected to disrupt POLG protein function with a positive predictive value of 95%. In summary, the available evidence is currently insufficient to determine the role of this variant in disease. Therefore, it has been classified as a Variant of Uncertain Significance.